The following is an entry in ClinVar:

ClinVar aggregate classification (germline): Uncertain significance. Review status: criteria provided, multiple submitters, no conflicts (2 of 4 stars). 2 submissions from 2 submitters: Uncertain significance (2). Last evaluated 2025-12-16.

Conditions:
Inborn genetic diseases. Identifiers: MedGen C0950123, MeSH D030342.

gnomAD v4.1: 2 of 1,613,168 alleles (0.00012%); highest among the groups gnomAD compares: Middle Eastern, 0.017%; no homozygotes.

Submissions (2):

Mayo Clinic Laboratories, Mayo Clinic
Classification: Uncertain significance. Last evaluated: 2025-12-16. Review status: criteria provided, single submitter. Criteria: ACMG Guidelines, 2015. Collection method: clinical testing. Allele origin: germline. Observed: 1 variant allele.
Comment: BP4_moderate, PM2_supporting

Ambry Genetics
Classification: Uncertain significance for Inborn genetic diseases. Last evaluated: 2024-12-01. Review status: criteria provided, single submitter. Criteria: Ambry Variant Classification Scheme 2023. Collection method: clinical testing. Allele origin: germline.
Comment: The p.R1698G variant (also known as c.5092A>G), located in coding exon 34 of the ANKRD26 gene, results from an A to G substitution at nucleotide position 5092. The arginine at codon 1698 is replaced by glycine, an amino acid with dissimilar properties. This amino acid position is conserved. In addition, this alteration is predicted to be tolerated by in silico analysis. Based on the available evidence, the clinical significance of this variant remains unclear.

NM_014915.3(ANKRD26):c.5092A>G (p.Arg1698Gly)

Gene: ANKRD26 (ankyrin repeat domain 26; minus strand). Cytogenetic location: 10p12.1.
Variant type: single nucleotide variant.
Coding change: c.5092A>G on transcript NM_014915.3 (MANE Select); coding-DNA position 5092, A replaced by G.
Protein change: p.Arg1698Gly; replaces arginine 1698 with glycine.
Molecular consequence: missense variant.
Genome position (GRCh38, 1-based): chr10:27,005,631, T>C on the plus strand (A>G on the coding strand, the complement: ANKRD26 is on the minus strand). VCF-style: chr10-27005631-T-C. GRCh37 (hg19) VCF-style: chr10-27294560-T-C.
Other names: p.Arg1698Gly; c.5089A>G, p.Arg1697Gly (NM_001256053.2); short protein forms R1698G, R1697G.
Identifiers: ClinVar variation 3394827 (VCV003394827.2).